The following is an entry in ClinVar:

ClinVar aggregate classification (germline): Pathogenic (1 of 4 stars; one submission).

Conditions:
Familial hemophagocytic lymphohistiocytosis 2 (FHL2). Also called: PRF1-Related Familial Hemophagocytic Lymphohistiocytosis (PRF1-fHLH). Identifiers: Orphanet 540, MedGen C1863727, MONDO:0011337, OMIM 603553.

Submission:

Labcorp Genetics (formerly Invitae), Labcorp
Classification: Pathogenic for Familial hemophagocytic lymphohistiocytosis 2. Last evaluated: 2024-01-09. Review status: criteria provided, single submitter. Criteria: Invitae Variant Classification Sherloc (09022015). Collection method: clinical testing. Allele origin: germline.
Comment: This sequence change creates a premature translational stop signal (p.Gln411*) in the PRF1 gene. While this is not anticipated to result in nonsense mediated decay, it is expected to disrupt the last 145 amino acid(s) of the PRF1 protein. This variant is not present in population databases (gnomAD no frequency). This variant has not been reported in the literature in individuals affected with PRF1-related conditions. This variant disrupts a region of the PRF1 protein in which other variant(s) (p.Asp491Asn) have been determined to be pathogenic (PMID: 17477373, 25577959, 33746956). This suggests that this is a clinically significant region of the protein, and that variants that disrupt it are likely to be disease-causing. For these reasons, this variant has been classified as Pathogenic.

Literature cited by the submitters: PubMed 17477373; PubMed 25577959; PubMed 33746956.

NM_001083116.3(PRF1):c.1231C>T (p.Gln411Ter)

Gene: PRF1 (perforin 1; minus strand). Cytogenetic location: 10q22.1.
Variant type: single nucleotide variant.
Coding change: c.1231C>T on transcript NM_001083116.3 (MANE Select); coding-DNA position 1231, C replaced by T.
Protein change: p.Gln411Ter; replaces glutamine 411 with a stop codon.
Molecular consequence: nonsense.
Genome position (GRCh38, 1-based): chr10:70,598,490, G>A on the plus strand (C>T on the coding strand, the complement: PRF1 is on the minus strand). VCF-style: chr10-70598490-G-A. GRCh37 (hg19) VCF-style: chr10-72358246-G-A.
Other names: c.1231C>T, p.Gln411Ter (NM_005041.6); short protein forms Q411*.
Identifiers: ClinVar variation 2835816 (VCV002835816.3), dbSNP rs2493482963, ClinGen allele CA376956559.
Genomic context (GRCh38, chr10:70,598,490, plus strand): 5'-AGTCCCCCCACAGGCCCCATGCTTGGATGAAGGTCACCTCCAGCTGGGCCAGGCCCCTCT[G>A]CCGAGGGCAGCAGTCCTGGGTGGTGACCGCTGAGCCATGGCACACACACTGGCATGGGTC-3'